The following is an entry in ClinVar:

NM_000548.5(TSC2):c.5260-13_5260-1del

Gene: TSC2 (TSC complex subunit 2; plus strand). Cytogenetic location: 16p13.3.
Variant type: Deletion.
Coding change: c.5260-13_5260-1del on transcript NM_000548.5 (MANE Select); 13 bases into the intron before coding-DNA position 5260 through the canonical splice acceptor site of the intron before coding-DNA position 5260, 13 bases deleted (CCTCTGCCTTCAG).
Molecular consequence: splice acceptor variant.
Genome position (GRCh38, 1-based): chr16:2,088,433-2,088,445, CCTCTGCCTTCAG deleted; deleting any 13 consecutive bases within chr16:2,088,432-2,088,445 gives the same sequence; the c. name uses the placement nearest the transcript's 3' end. VCF-style (leftmost placement, unchanged base first): chr16-2088431-CGCCTCTGCCTTCA-C. GRCh37 (hg19) VCF-style: chr16-2138432-CGCCTCTGCCTTCA-C.
Other names: c.3718-13_3718-1del (NM_001406693.1, NM_001406692.1, NM_001406694.1); c.5152-13_5152-1del (NM_001406667.1); c.5149-13_5149-1del (NM_001406668.1); c.4660-13_4660-1del (NM_001406680.1); c.4591-13_4591-1del (NM_001406683.1, NM_001406682.1); c.4459-13_4459-1del (NM_001406687.1, NM_001406688.1); c.3847-13_3847-1del (NM_001406689.1); c.3787-13_3787-1del (NM_001406690.1); and 27 more.
Identifiers: ClinVar variation 3725681 (VCV003725681.2).
Genomic context (GRCh38, chr16:2,088,431, plus strand): 5'-GCTGTGGGGCGGGTGTGTGGGCAGAGCGGTTGCCACGCCTCCCAGACTTACTGCCCAAGC[CGCCTCTGCCTTCA>C]GATCTGCGAGGAAGCCGCCTACTCCAACCCCAGCCTACCTCTGGTGCACCCTCCGTCCCA-3'

ClinVar aggregate classification (germline): Uncertain significance (1 of 4 stars; one submission).

Conditions:
Tuberous sclerosis 2 (TSC2). Identifiers: Orphanet 805, MedGen C1860707, MONDO:0013199, OMIM 613254.

Submission:

Labcorp Genetics (formerly Invitae), Labcorp
Classification: Uncertain significance for Tuberous sclerosis 2. Last evaluated: 2024-11-19. Review status: criteria provided, single submitter. Criteria: Invitae Variant Classification Sherloc (09022015). Collection method: clinical testing. Allele origin: germline.
Comment: This sequence change affects a splice site in intron 41 of the TSC2 gene. While this variant is not anticipated to result in nonsense mediated decay, it likely alters RNA splicing and results in a disrupted protein product. This variant is not present in population databases (gnomAD no frequency). This variant has not been reported in the literature in individuals affected with TSC2-related conditions. Variants that disrupt the consensus splice site are a relatively common cause of aberrant splicing (PMID: 17576681, 9536098). Algorithms developed to predict the effect of sequence changes on RNA splicing suggest that this variant may disrupt the consensus splice site. In summary, the available evidence is currently insufficient to determine the role of this variant in disease. Therefore, it has been classified as a Variant of Uncertain Significance.

Literature cited by the submitters: PubMed 17576681; PubMed 9536098.